The following is an entry in ClinVar:

ClinVar aggregate classification (germline): Likely benign. Review status: criteria provided, single submitter (1 of 4 stars). 2 submissions from 2 submitters: Likely benign (1). 1 of the submissions does not count toward it. Last evaluated 2026-08-01.

Conditions:
CYB561-related disorder. Also called: CYB561-related condition.

Allele frequency attached by ClinVar (database versions not stated): gnomAD 0.00032; TOPMed 0.00036; gnomAD exomes 0.00037; ExAC 0.00049; ESP Exome Variant Server 0.00062.
gnomAD v4.1: 597 of 1,612,990 alleles (0.037%); highest among the groups gnomAD compares: Non-Finnish European, 0.046%; no homozygotes.

Submissions (5):

CeGaT Center for Human Genetics Tuebingen
Classification: Likely benign. Last evaluated: 2026-08-01. Review status: criteria provided, single submitter. Criteria: CeGaT Center For Human Genetics Tuebingen Variant Classification Criteria Version 2. Collection method: clinical testing. Allele origin: germline. Affected: yes. Observed: 1 variant allele.
Comment: CYB561: BP4, BP7

PreventionGenetics, part of Exact Sciences
Classification: Likely benign for CYB561-related condition. Last evaluated: 2019-04-09. Review status: no assertion criteria provided. Collection method: clinical testing. Allele origin: germline. Not counted in ClinVar's aggregate classification.
Comment: This variant is classified as likely benign based on ACMG/AMP sequence variant interpretation guidelines (Richards et al. 2015 PMID: 25741868, with internal and published modifications).

Dr. Peter K. Rogan Lab, Western University
No classification provided (evidence only). Condition: Clear cell carcinoma of kidney. Review status: no classification provided. Collection method: in vitro. Allele origin: not applicable. Functional consequence: retained intron. Not counted in ClinVar's aggregate classification.

Dr. Peter K. Rogan Lab, Western University
No classification provided (evidence only). Condition: Clear cell carcinoma of kidney. Review status: no classification provided. Collection method: in vitro. Allele origin: not applicable. Functional consequence: retained intron. Not counted in ClinVar's aggregate classification.

Dr. Peter K. Rogan Lab, Western University
No classification provided (evidence only). Condition: Familial cancer of breast. Review status: no classification provided. Collection method: in vitro. Allele origin: not applicable. Functional consequence: retained intron. Not counted in ClinVar's aggregate classification.

NM_001915.4(CYB561):c.561C>T (p.Leu187=)

Gene: CYB561 (cytochrome b561; minus strand). Cytogenetic location: 17q23.3.
Variant type: single nucleotide variant.
Coding change: c.561C>T on transcript NM_001915.4 (MANE Select); coding-DNA position 561, C replaced by T.
Protein change: p.Leu187=; no amino-acid change (leucine 187 retained).
Molecular consequence: synonymous variant.
Genome position (GRCh38, 1-based): chr17:63,435,088, G>A on the plus strand (C>T on the coding strand, the complement: CYB561 is on the minus strand). VCF-style: chr17-63435088-G-A. GRCh37 (hg19) VCF-style: chr17-61512449-G-A.
Other names: NC_000017.10:g.61512449G>A; c.561C>T, p.Leu187= (NM_001017916.2, NM_001017917.2); c.582C>T, p.Leu194= (NM_001330421.2).
Identifiers: ClinVar variation 3046415 (VCV003046415.4), dbSNP rs144041303, ClinGen allele CA8698660.
Genomic context (GRCh38, chr17:63,435,088, plus strand): 5'-GGGTGAGGTCTGTGCAAGGGTGGCCCAGGCCCTGCCCTCTCCCACCCAGGACACTCACCC[G>A]AGGTTGAACAGCAGTGCCTCCTTCAGGCCCAGCAGGGCGGTGCCCACGGAAAGGAGGAAG-3'
Protein context (NP_001906.3, residues 177-197): LGLKEALLFN[Leu187=]GGKYSAFEPE